The following is an entry in ClinVar:

ClinVar aggregate classification (germline): Pathogenic (1 of 4 stars; one submission).

Conditions:
Hereditary cancer-predisposing syndrome. Also called: Hereditary Cancer Syndrome; Hereditary neoplastic syndrome; Neoplastic Syndromes, Hereditary; Tumor predisposition. Identifiers: Orphanet 140162, MedGen C0027672, MeSH D009386, MONDO:0015356.

Submission:

Ambry Genetics
Classification: Pathogenic for Hereditary cancer-predisposing syndrome. Last evaluated: 2018-10-26. Review status: criteria provided, single submitter. Criteria: Ambry Variant Classification Scheme 2023. Collection method: clinical testing. Allele origin: germline.
Comment: The c.1314_1317delTTTT pathogenic mutation, located in coding exon 9 of the BRCA2 gene, results from a deletion of 4 nucleotides at nucleotide positions 1314 to 1317, causing a translational frameshift with a predicted alternate stop codon (p.F439Lfs*20). This alteration is expected to result in loss of function by premature protein truncation or nonsense-mediated mRNA decay. As such, this alteration is interpreted as a disease-causing mutation.

NM_000059.4(BRCA2):c.1314_1317del (p.Phe439fs)

Gene: BRCA2 (BRCA2 DNA repair associated; plus strand). Cytogenetic location: 13q13.1.
Variant type: Deletion.
Coding change: c.1314_1317del on transcript NM_000059.4 (MANE Select); coding-DNA positions 1314 to 1317, 4 bases deleted (TTTT; older notation c.1314_1317delTTTT).
Protein change: p.Phe439fs; shifts the reading frame from phenylalanine 439.
Molecular consequence: frameshift variant.
Genome position (GRCh38, 1-based): chr13:32,332,792-32,332,795, TTTT deleted. VCF-style (leftmost placement, unchanged base first): chr13-32332791-ATTTT-A. GRCh37 (hg19) VCF-style: chr13-32906928-ATTTT-A.
Other names: c.1314_1317delTTTT, p.Phe439Leufs (NM_001406719.1, NM_001406720.1, NM_001406721.1); short protein forms F439fs.
Identifiers: ClinVar variation 1769728 (VCV001769728.2), dbSNP rs2548520025, ClinGen allele CA2580086993.